The following is an entry in ClinVar:

NM_000101.4(CYBA):c.288-1G>T

Gene: CYBA (cytochrome b-245 alpha chain; minus strand). Cytogenetic location: 16q24.2.
Variant type: single nucleotide variant.
Coding change: c.288-1G>T on transcript NM_000101.4 (MANE Select); the canonical splice acceptor site of the intron before coding-DNA position 288, G replaced by T.
Molecular consequence: splice acceptor variant.
Genome position (GRCh38, 1-based): chr16:88,646,198, C>A on the plus strand (G>T on the coding strand, the complement: CYBA is on the minus strand). VCF-style: chr16-88646198-C-A. GRCh37 (hg19) VCF-style: chr16-88712606-C-A.
Other names: c.288-1G>T (NM_000101.3).
Identifiers: ClinVar variation 2098988 (VCV002098988.9), dbSNP rs111571762, ClinGen allele CA286352559.

ClinVar aggregate classification (germline): Pathogenic/Likely pathogenic. Review status: criteria provided, multiple submitters, no conflicts (2 of 4 stars). 5 submissions from 5 submitters: Pathogenic (1); Likely pathogenic (4). Last evaluated 2026-05-29.

Conditions:
Chronic granulomatous disease. Identifiers: Orphanet 379, MedGen C0018203, MONDO:0018305.
Granulomatous disease, chronic, autosomal recessive, cytochrome b-negative. Also called: CGD DUE TO DEFICIENCY OF THE ALPHA SUBUNIT OF CYTOCHROME b; CGD, AUTOSOMAL RECESSIVE CYTOCHROME b-NEGATIVE; CYBA DEFICIENCY; GRANULOMATOUS DISEASE, CHRONIC, AUTOSOMAL RECESSIVE, 4; Chronic granulomatous disease, autosomal, due to deficiency of CYBA. Identifiers: Orphanet 379, MedGen C1856255, MONDO:0009308, OMIM 233690.

Submissions (5):

Myriad Genetics, Inc.
Classification: Likely pathogenic for Granulomatous disease, chronic, autosomal recessive, cytochrome b-negative. Last evaluated: 2026-05-29. Review status: criteria provided, single submitter. Criteria: Myriad Autosomal Dominant, Autosomal Recessive and X-Linked Classification Criteria (2023). Collection method: clinical testing. Allele origin: unknown.
Comment: NM_000101.3(CYBA):c.288-1G>T is a variant in a canonical splice site classified as likely pathogenic in the context of chronic granulomatous disease, CYBA-related. c.288-1G>T has been observed in a case with relevant disease (PMID: 37898571). Relevant functional assessments of this variant are not available in the literature. c.288-1G>T has not been observed in referenced population frequency databases. In summary, NM_000101.3(CYBA):c.288-1G>T is a variant in a canonical splice site in a gene where loss of function is a known mechanism of disease, is predicted to disrupt protein function, and has been observed more frequently in cases with the relevant disease than in healthy populations. Please note: this variant was assessed in the context of healthy population screening.

Natera, Inc.
Classification: Pathogenic for Chronic granulomatous disease. Last evaluated: 2025-09-06. Review status: criteria provided, single submitter. Criteria: Natera Variant Classification Schema (03/2026). Collection method: clinical testing. Allele origin: germline.
Comment: The c.288-1G>T variant in CYBA is a canonical splice acceptor site variant predicted to affect pre-mRNA splicing, which may result in an abnormal transcript and altered protein product. This variant is expected to result in nonsense mediated decay, truncation, or a dysfunctional protein product. This variant is rare in the general population with a frequency below the threshold expected for the associated phenotype(s). This variant has been observed in one or more individuals affected with the associated recessive disease, as either homozygous or compound heterozygous with a second variant (PMID: 37898571). Given the available evidence, this variant is classified as Pathogenic.

Fulgent Genetics
Classification: Likely pathogenic for Granulomatous disease, chronic, autosomal recessive, cytochrome b-negative. Last evaluated: 2024-04-13. Review status: criteria provided, single submitter. Criteria: ACMG Guidelines, 2015. Collection method: clinical testing. Allele origin: germline.

Neuberg Centre For Genomic Medicine, NCGM
Classification: Likely pathogenic for Granulomatous disease, chronic, autosomal recessive, cytochrome b-negative. Last evaluated: 2024-02-01. Review status: criteria provided, single submitter. Criteria: ACMG Guidelines, 2015. Collection method: clinical testing. Allele origin: germline. Inheritance: Autosomal recessive inheritance.
Comment: The above variant has been reported previously in individual(s) affected with Chronic Granulomatous Disease (Roos D, et al., 2021). The current evidence on pathogenicity of this variant is inconclusive. Hence, additional functional evidence and studies on multiple affected individuals will be required to prove the pathogenicity conclusively. For these reasons, this variant has been classified as Likely Pathogenic.

Labcorp Genetics (formerly Invitae), Labcorp
Classification: Likely pathogenic for Granulomatous disease, chronic, autosomal recessive, cytochrome b-negative. Last evaluated: 2022-10-14. Review status: criteria provided, single submitter. Criteria: Invitae Variant Classification Sherloc (09022015). Collection method: clinical testing. Allele origin: germline.
Comment: This sequence change affects an acceptor splice site in intron 4 of the CYBA gene. It is expected to disrupt RNA splicing. Variants that disrupt the donor or acceptor splice site typically lead to a loss of protein function (PMID: 16199547), and loss-of-function variants in CYBA are known to be pathogenic (PMID: 10910929, 20167518, 22876374). In summary, the currently available evidence indicates that the variant is pathogenic, but additional data are needed to prove that conclusively. Therefore, this variant has been classified as Likely Pathogenic. Algorithms developed to predict the effect of sequence changes on RNA splicing suggest that this variant may disrupt the consensus splice site. Disruption of this splice site has been observed in individual(s) with chronic granulomatous disease (PMID: 33717137). This variant is not present in population databases (gnomAD no frequency).

Literature cited by the submitters: PubMed 37898571 (cited by Myriad Genetics, Inc. and Natera, Inc.); PubMed 16199547 (cited by Labcorp Genetics (formerly Invitae), Labcorp); PubMed 10910929 (cited by Labcorp Genetics (formerly Invitae), Labcorp); PubMed 20167518 (cited by Labcorp Genetics (formerly Invitae), Labcorp); PubMed 22876374 (cited by Labcorp Genetics (formerly Invitae), Labcorp); PubMed 33717137 (cited by Labcorp Genetics (formerly Invitae), Labcorp).